The following is an entry in ClinVar:

ClinVar aggregate classification (germline): Likely pathogenic (0 of 4 stars; one submission).

Conditions:
Malignant tumor of breast. Also called: Malignant breast neoplasm; Cancer breast. Identifiers: MedGen C0006142, MONDO:0007254. Disease mechanism: loss of function.

Submission:

Molecular Medicine Laboratory, Quaid i Azam University
Classification: Likely pathogenic for Malignant tumor of breast. Last evaluated: 2026-01-05. Review status: no assertion criteria provided. Collection method: research. Allele origin: unknown. Inheritance: Autosomal dominant inheritance. Affected: yes. Observed: 2 variant alleles.
Comment: This variant is a novel mutation identified through Sanger sequencing of genomic DNA extracted from peripheral blood in a research cohort of breast cancer patients. The variant is a frameshift insertion in BRCA2, predicted to result in loss of normal protein function.

NM_000059.4(BRCA2):c.3085dup (p.Met1029fs)

Gene: BRCA2 (BRCA2 DNA repair associated; plus strand). Cytogenetic location: 13q13.1.
Variant type: Duplication.
Coding change: c.3085dup on transcript NM_000059.4 (MANE Select); coding-DNA position 3085, one base duplicated (A; older notation c.3085dupA).
Protein change: p.Met1029fs; shifts the reading frame from methionine 1029.
Molecular consequence: frameshift variant. On other transcripts: non-coding transcript variant (1), intron variant (2).
Genome position (GRCh38, 1-based): chr13:32,337,440, A duplicated; the last of 4 consecutive A bases (chr13:32,337,437-32,337,440); duplicating any one gives the same sequence. VCF-style (leftmost placement, unchanged base first): chr13-32337436-C-CA. GRCh37 (hg19) VCF-style: chr13-32911573-C-CA.
Other names: Chr13:32337440_441insA; c.3085dup, p.Met1029fs (NM_001406719.1, NM_001406720.1, NM_001432077.1); c.1909+4053dup (NM_001406721.1); c.424+6410dup (NM_001406722.1); c.3085_3086insA (NM_000059.4); short protein forms M1029fs.
Identifiers: ClinVar variation 4685467 (VCV004685467.1).
Genomic context (GRCh38, chr13:32,337,436, plus strand): 5'-TAGCTTCAGAACAGCTTCAAATAAGGAAATCAAGCTCTCTGAACATAACATTAAGAAGAG[C>CA]AAAATGTTCTTCAAAGATATTGAAGAACAATATCCTACTAGTTTAGCTTGTGTTGAAATT-3'